The following is an entry in ClinVar:

NM_000111.3(SLC26A3):c.1120-1G>A

Gene: SLC26A3 (solute carrier family 26 member 3; minus strand). Cytogenetic location: 7q22.3.
Variant type: single nucleotide variant.
Coding change: c.1120-1G>A on transcript NM_000111.3 (MANE Select); the canonical splice acceptor site of the intron before coding-DNA position 1120, G replaced by A.
Molecular consequence: splice acceptor variant.
Genome position (GRCh38, 1-based): chr7:107,783,094, C>T on the plus strand (G>A on the coding strand, the complement: SLC26A3 is on the minus strand). VCF-style: chr7-107783094-C-T. GRCh37 (hg19) VCF-style: chr7-107423539-C-T.
Identifiers: ClinVar variation 2706521 (VCV002706521.3), dbSNP rs2535463162, ClinGen allele CA368851957.

ClinVar aggregate classification (germline): Likely pathogenic (1 of 4 stars; one submission).

Submission:

Labcorp Genetics (formerly Invitae), Labcorp
Classification: Likely pathogenic. Last evaluated: 2023-12-30. Review status: criteria provided, single submitter. Criteria: Invitae Variant Classification Sherloc (09022015). Collection method: clinical testing. Allele origin: germline.
Comment: This sequence change affects an acceptor splice site in intron 9 of the SLC26A3 gene. It is expected to disrupt RNA splicing. Variants that disrupt the donor or acceptor splice site typically lead to a loss of protein function (PMID: 16199547), and loss-of-function variants in SLC26A3 are known to be pathogenic (PMID: 9718329, 21394828). This variant is not present in population databases (gnomAD no frequency). This variant has not been reported in the literature in individuals affected with SLC26A3-related conditions. Algorithms developed to predict the effect of sequence changes on RNA splicing suggest that this variant may disrupt the consensus splice site. In summary, the currently available evidence indicates that the variant is pathogenic, but additional data are needed to prove that conclusively. Therefore, this variant has been classified as Likely Pathogenic.

Literature cited by the submitters: PubMed 16199547; PubMed 9718329; PubMed 21394828.